The following is an entry in ClinVar:

NM_006506.5(RASA2):c.1152A>T (p.Leu384Phe)

Gene: RASA2 (RAS p21 protein activator 2; plus strand). Cytogenetic location: 3q23.
Variant type: single nucleotide variant.
Coding change: c.1152A>T on transcript NM_006506.5 (MANE Select); coding-DNA position 1152, A replaced by T.
Protein change: p.Leu384Phe; replaces leucine 384 with phenylalanine.
Molecular consequence: missense variant.
Genome position (GRCh38, 1-based): chr3:141,571,537, A>T. VCF-style: chr3-141571537-A-T. GRCh37 (hg19) VCF-style: chr3-141290379-A-T.
Other names: c.1152A>T, p.Leu384Phe (NM_001303245.3, NM_001303246.3); short protein forms L384F.
Identifiers: ClinVar variation 2717736 (VCV002717736.3), dbSNP rs2478714124, ClinGen allele CA354776329.
Genomic context (GRCh38, chr3:141,571,537, plus strand): 5'-TGTACGACTGCTGCTGCACCATGATAAACTTGTTCCTTTTGCCACTGCTGTGGCTGAATT[A>T]GACTTGAAGGATACACAGTAAGAGTTATATTTTATTAAATGTTAATTACATGTTGTTGAA-3'
Protein context (NP_006497.2, residues 374-394): LVPFATAVAE[Leu384Phe]DLKDTQDANT

ClinVar aggregate classification (germline): Uncertain significance (1 of 4 stars; one submission).

Submission:

Labcorp Genetics (formerly Invitae), Labcorp
Classification: Uncertain significance. Last evaluated: 2023-06-16. Review status: criteria provided, single submitter. Criteria: Invitae Variant Classification Sherloc (09022015). Collection method: clinical testing. Allele origin: germline.
Comment: In summary, the available evidence is currently insufficient to determine the role of this variant in disease. Therefore, it has been classified as a Variant of Uncertain Significance. This sequence change replaces leucine, which is neutral and non-polar, with phenylalanine, which is neutral and non-polar, at codon 384 of the RASA2 protein (p.Leu384Phe). This variant is not present in population databases (gnomAD no frequency). This variant has not been reported in the literature in individuals affected with RASA2-related conditions. Advanced modeling of protein sequence and biophysical properties (such as structural, functional, and spatial information, amino acid conservation, physicochemical variation, residue mobility, and thermodynamic stability) performed at Invitae indicates that this missense variant is not expected to disrupt RASA2 protein function.